The following is an entry in ClinVar:

NM_001287.6(CLCN7):c.295T>C (p.Tyr99His)

Gene: CLCN7 (chloride voltage-gated channel 7; minus strand). Cytogenetic location: 16p13.3.
Variant type: single nucleotide variant.
Coding change: c.295T>C on transcript NM_001287.6 (MANE Select); coding-DNA position 295, T replaced by C.
Protein change: p.Tyr99His; replaces tyrosine 99 with histidine.
Molecular consequence: missense variant.
Genome position (GRCh38, 1-based): chr16:1,461,461, A>G on the plus strand (T>C on the coding strand, the complement: CLCN7 is on the minus strand). VCF-style: chr16-1461461-A-G. GRCh37 (hg19) VCF-style: chr16-1511462-A-G.
Other names: c.223T>C, p.Tyr75His (NM_001114331.3); short protein forms Y99H, Y75H.
Identifiers: ClinVar variation 452973 (VCV000452973.4), dbSNP rs1555465963, ClinGen allele CA394193022.

ClinVar aggregate classification (germline): Likely pathogenic. Review status: criteria provided, multiple submitters, no conflicts (2 of 4 stars). 2 submissions from 2 submitters: Likely pathogenic (2). Last evaluated 2024-06-05.

Submissions (2):

Labcorp Genetics (formerly Invitae), Labcorp
Classification: Likely pathogenic. Last evaluated: 2024-06-05. Review status: criteria provided, single submitter. Criteria: Invitae Variant Classification Sherloc (09022015). Collection method: clinical testing. Allele origin: germline.
Comment: This sequence change replaces tyrosine, which is neutral and polar, with histidine, which is basic and polar, at codon 99 of the CLCN7 protein (p.Tyr99His). This variant is not present in population databases (gnomAD no frequency). This variant has not been reported in the literature in individuals affected with CLCN7-related conditions. ClinVar contains an entry for this variant (Variation ID: 452973). Advanced modeling of protein sequence and biophysical properties (such as structural, functional, and spatial information, amino acid conservation, physicochemical variation, residue mobility, and thermodynamic stability) performed at Invitae indicates that this missense variant is expected to disrupt CLCN7 protein function with a positive predictive value of 95%. This variant disrupts the p.Tyr99 amino acid residue in CLCN7. Other variant(s) that disrupt this residue have been determined to be pathogenic (PMID: 23296056, 26056022, 30229577). This suggests that this residue is clinically significant, and that variants that disrupt this residue are likely to be disease-causing. In summary, the currently available evidence indicates that the variant is pathogenic, but additional data are needed to prove that conclusively. Therefore, this variant has been classified as Likely Pathogenic.

GeneDx
Classification: Likely pathogenic. Last evaluated: 2017-10-31. Review status: criteria provided, single submitter. Criteria: GeneDx Variant Classification (06012015). Collection method: clinical testing. Allele origin: germline. Affected: yes.
Comment: The Y99H variant in the CLCN7 gene has not been reported previously as a pathogenic variant, nor as a benign variant, to our knowledge. However, a different missense change at this residue (Y99C) has been reported previously in the published literature in the heterozygous state in several unrelated individuals with osteopetrosis, including two families with segregation in multiple affected individuals, in addition to the homozygous state in a child with infantile malignant osteopetrosis (Del Fattore et al., 2006; Zheng et al., 2016; Sui et al., 2013; Barvencik et al., 2014). The Y99H variant is not observed in large population cohorts (Lek et al., 2016). The Y99H variant is a non-conservative amino acid substitution, which is likely to impact secondary protein structure as these residues differ in polarity, charge, size and/or other properties. This substitution occurs at a position that is conserved across species, and in silico analysis predicts this variant is probably damaging to the protein structure/function. We interpret Y99H as a likely pathogenic variant.

Literature cited by the submitters: PubMed 23296056 (cited by Labcorp Genetics (formerly Invitae), Labcorp); PubMed 26056022 (cited by Labcorp Genetics (formerly Invitae), Labcorp); PubMed 30229577 (cited by Labcorp Genetics (formerly Invitae), Labcorp).